The following is an entry in ClinVar:

NM_000136.3(FANCC):c.528T>C (p.Ala176=)

Genes: AOPEP (aminopeptidase O (putative); plus strand), FANCC (FA complementation group C; minus strand). Cytogenetic location: 9q22.32.
Variant type: single nucleotide variant.
Coding change: c.528T>C on transcript NM_000136.3 (MANE Select); coding-DNA position 528, T replaced by C.
Protein change: p.Ala176=; no amino-acid change (alanine 176 retained).
Molecular consequence: synonymous variant.
Genome position (GRCh38, 1-based): chr9:95,150,081, A>G on the plus strand (T>C on the coding strand, the complement: FANCC is on the minus strand). VCF-style: chr9-95150081-A-G. GRCh37 (hg19) VCF-style: chr9-97912363-A-G.
Other names: c.528T>C, p.Ala176= (NM_001243743.2, NM_001243744.2).
Identifiers: ClinVar variation 518100 (VCV000518100.12), dbSNP rs1237481707, ClinGen allele CA466103445.
Genomic context (GRCh38, chr9:95,150,081, plus strand): 5'-AACATCTGTCAGGGTAATAAGTGGGACACAAACTCGTGACAGGGACGCCACTCGCTCGGG[A>G]GCCATTCTATGGAAGAAATAAGAAATAATCACTCAAATCTAAGAGCCATGCATAATTAAG-3'
Protein context (NP_000127.2, residues 166-186): LNGFNTQRRM[Ala176=]PERVASLSRV

ClinVar aggregate classification (germline): Likely benign. Review status: criteria provided, multiple submitters, no conflicts (2 of 4 stars). 3 submissions from 3 submitters: Likely benign (3). Last evaluated 2024-04-29.

Conditions:
Fanconi anemia (FA). Also called: Fanconi's anemia. Identifiers: Orphanet 84, MedGen C0015625, MeSH D005199, MONDO:0019391.
Hereditary cancer-predisposing syndrome. Also called: Tumor predisposition; Hereditary neoplastic syndrome; Neoplastic Syndromes, Hereditary; Hereditary Cancer Syndrome. Identifiers: Orphanet 140162, MedGen C0027672, MeSH D009386, MONDO:0015356.

Allele frequency attached by ClinVar (database versions not stated): gnomAD exomes below 0.00001; TOPMed below 0.00001; gnomAD 0.00001 and 0.00003.
gnomAD v4.1: 4 of 1,614,018 alleles (0.00025%); highest among the groups gnomAD compares: Non-Finnish European, 0.00025%; no homozygotes.

Submissions (3):

Labcorp Genetics (formerly Invitae), Labcorp
Classification: Likely benign for Fanconi anemia. Last evaluated: 2024-04-29. Review status: criteria provided, single submitter. Criteria: Invitae Variant Classification Sherloc (09022015). Collection method: clinical testing. Allele origin: germline.

Ambry Genetics
Classification: Likely benign for Hereditary cancer-predisposing syndrome. Last evaluated: 2022-10-05. Review status: criteria provided, single submitter. Criteria: Ambry Variant Classification Scheme 2023. Collection method: clinical testing. Allele origin: germline.

GeneDx
Classification: Likely benign. Last evaluated: 2018-01-24. Review status: criteria provided, single submitter. Criteria: GeneDx Variant Classification (06012015). Collection method: clinical testing. Allele origin: germline. Affected: yes.
Comment: This variant is considered likely benign or benign based on one or more of the following criteria: it is a conservative change, it occurs at a poorly conserved position in the protein, it is predicted to be benign by multiple in silico algorithms, and/or has population frequency not consistent with disease.